The following is an entry in ClinVar:

NM_000091.5(COL4A3):c.155dup (p.Phe53fs)

Genes: COL4A3 (collagen type IV alpha 3 chain; plus strand), MFF-DT (MFF divergent transcript; minus strand). Cytogenetic location: 2q36.3.
Variant type: Duplication.
Coding change: c.155dup on transcript NM_000091.5 (MANE Select); coding-DNA position 155, one base duplicated (G; older notation c.155dupG).
Protein change: p.Phe53fs; shifts the reading frame from phenylalanine 53.
Molecular consequence: frameshift variant.
Genome position (GRCh38, 1-based): chr2:227,240,153, G duplicated; the last of 3 consecutive G bases (chr2:227,240,151-227,240,153); duplicating any one gives the same sequence. VCF-style (leftmost placement, unchanged base first): chr2-227240150-A-AG. GRCh37 (hg19) VCF-style: chr2-228104866-A-AG.
Other names: short protein forms F53fs.
Identifiers: ClinVar variation 5011898 (VCV005011898.1).

ClinVar aggregate classification (germline): Pathogenic (1 of 4 stars; one submission).

Conditions:
Alport syndrome. Also called: Hemorrhagic familial nephritis; Hemorrhagic hereditary nephritis; Congenital hereditary hematuria. Identifiers: Orphanet 63, MedGen C1567741, MONDO:0018965.

Submission:

Myriad Genetics, Inc.
Classification: Pathogenic for Alport syndrome. Last evaluated: 2023-09-27. Review status: criteria provided, single submitter. Criteria: Myriad Autosomal Dominant, Autosomal Recessive and X-Linked Classification Criteria (2023). Collection method: clinical testing. Allele origin: unknown.
Comment: NM_000091.4(COL4A3):c.155dupG(F53Lfs*17) is expected to be pathogenic in the context of Alport syndrome, COL4A3-related. This variant is predicted to lead to an abnormal or absent protein product due to the creation of a premature termination codon in COL4A3, a gene where loss-of-function variants are known to be pathogenic. Please note: this variant was assessed in the context of healthy population screening.